The following is an entry in ClinVar:

ClinVar aggregate classification (germline): Conflicting classifications of pathogenicity. Review status: criteria provided, conflicting classifications (1 of 4 stars). 2 submissions from 2 submitters: Uncertain significance (1); Likely benign (1). Last evaluated 2025-11-03.

Conditions:
Hereditary cancer-predisposing syndrome. Also called: Tumor predisposition; Hereditary Cancer Syndrome; Neoplastic Syndromes, Hereditary; Hereditary neoplastic syndrome. Identifiers: Orphanet 140162, MedGen C0027672, MeSH D009386, MONDO:0015356.
Multiple endocrine neoplasia, type 1 (MEN1). Also called: MEN I; WERMER SYNDROME; Endocrine adenomatosis multiple; MEN 1; MEA I. Identifiers: Orphanet 652, MedGen C0025267, MeSH D018761, MONDO:0007540, OMIM 131100.

Allele frequency attached by ClinVar (database versions not stated): TOPMed below 0.00001.
gnomAD v4.1: 4 of 1,614,012 alleles (0.00025%); highest among the groups gnomAD compares: South Asian, 0.0011%; no homozygotes.

Submissions (2):

Labcorp Genetics (formerly Invitae), Labcorp
Classification: Likely benign for Multiple endocrine neoplasia, type 1. Last evaluated: 2025-11-03. Review status: criteria provided, single submitter. Criteria: Invitae Variant Classification Sherloc (09022015). Collection method: clinical testing. Allele origin: germline.

Ambry Genetics
Classification: Uncertain significance for Hereditary cancer-predisposing syndrome. Last evaluated: 2025-08-09. Review status: criteria provided, single submitter. Criteria: Ambry Variant Classification Scheme 2023. Collection method: clinical testing. Allele origin: germline.
Comment: The p.N374S variant (also known as c.1121A>G), located in coding exon 7 of the MEN1 gene, results from an A to G substitution at nucleotide position 1121. The asparagine at codon 374 is replaced by serine, an amino acid with highly similar properties. This amino acid position is not well conserved in available vertebrate species. In addition, this alteration is predicted to be tolerated by in silico analysis. Since supporting evidence is limited at this time, the clinical significance of this alteration remains unclear.

NM_001370259.2(MEN1):c.1121A>G (p.Asn374Ser)

Gene: MEN1 (menin 1; minus strand). Cytogenetic location: 11q13.1.
Variant type: single nucleotide variant.
Coding change: c.1121A>G on transcript NM_001370259.2 (MANE Select); coding-DNA position 1121, A replaced by G.
Protein change: p.Asn374Ser; replaces asparagine 374 with serine.
Molecular consequence: missense variant.
Genome position (GRCh38, 1-based): chr11:64,805,699, T>C on the plus strand (A>G on the coding strand, the complement: MEN1 is on the minus strand). VCF-style: chr11-64805699-T-C. GRCh37 (hg19) VCF-style: chr11-64573171-T-C.
Other names: c.1121A>G (NM_130799.2); c.1136A>G, p.Asn379Ser (NM_000244.4, NM_130800.3, NM_130801.3 and 3 more transcripts); c.1247A>G, p.Asn416Ser (NM_001370251.2); c.1121A>G, p.Asn374Ser (NM_001370260.2, NM_001370261.2, NM_130799.3); c.1016A>G, p.Asn339Ser (NM_001370262.2, NM_001370263.2); short protein forms N339S, N374S, N379S, N416S.
Identifiers: ClinVar variation 1018067 (VCV001018067.11), dbSNP rs755168633, ClinGen allele CA059976.